The following is an entry in ClinVar:

NM_005076.5(CNTN2):c.1613T>C (p.Met538Thr)

Gene: CNTN2 (contactin 2; plus strand). Cytogenetic location: 1q32.1.
Variant type: single nucleotide variant.
Coding change: c.1613T>C on transcript NM_005076.5 (MANE Select); coding-DNA position 1613, T replaced by C.
Protein change: p.Met538Thr; replaces methionine 538 with threonine.
Molecular consequence: missense variant. On other transcripts: non-coding transcript variant (1).
Genome position (GRCh38, 1-based): chr1:205,065,180, T>C. VCF-style: chr1-205065180-T-C. GRCh37 (hg19) VCF-style: chr1-205034308-T-C.
Other names: c.1613T>C, p.Met538Thr (NM_001346083.2); short protein forms M538T.
Identifiers: ClinVar variation 2052300 (VCV002052300.2), dbSNP rs1654212989, ClinGen allele CA344375479.

ClinVar aggregate classification (germline): Uncertain significance (1 of 4 stars; one submission).

Conditions:
Epilepsy, familial adult myoclonic, 5 (EPEO5). Also called: CORTICAL MYOCLONIC TREMOR WITH EPILEPSY, FAMILIAL, 5. Identifiers: Orphanet 86814, MedGen C3809374, MONDO:0014167, OMIM 615400.

Allele frequency attached by ClinVar (database versions not stated): gnomAD exomes below 0.00001.
gnomAD v4.1: 1 of 1,614,152 alleles (0.000062%); highest among the groups gnomAD compares: Non-Finnish European, 0.000085%; no homozygotes.

Submission:

Labcorp Genetics (formerly Invitae), Labcorp
Classification: Uncertain significance for Epilepsy, familial adult myoclonic, 5. Last evaluated: 2022-05-20. Review status: criteria provided, single submitter. Criteria: Invitae Variant Classification Sherloc (09022015). Collection method: clinical testing. Allele origin: germline.
Comment: In summary, the available evidence is currently insufficient to determine the role of this variant in disease. Therefore, it has been classified as a Variant of Uncertain Significance. Advanced modeling of protein sequence and biophysical properties (such as structural, functional, and spatial information, amino acid conservation, physicochemical variation, residue mobility, and thermodynamic stability) performed at Invitae indicates that this missense variant is not expected to disrupt CNTN2 protein function. This variant has not been reported in the literature in individuals affected with CNTN2-related conditions. This variant is not present in population databases (gnomAD no frequency). This sequence change replaces methionine, which is neutral and non-polar, with threonine, which is neutral and polar, at codon 538 of the CNTN2 protein (p.Met538Thr).